The following is an entry in ClinVar:

ClinVar aggregate classification (germline): Conflicting classifications of pathogenicity. Review status: criteria provided, conflicting classifications (1 of 4 stars). 7 submissions from 7 submitters: Uncertain significance (4); Likely benign (3). Last evaluated 2025-05-30.

Conditions:
Isolated focal cortical dysplasia type II (FCORD2). Also called: CORTICAL DYSPLASIA OF TAYLOR; Focal cortical dysplasia type II. Identifiers: Orphanet 268994, MedGen C1846385, MONDO:0011818, OMIM 607341, HP:0032051.
Tuberous sclerosis 2 (TSC2). Identifiers: Orphanet 805, MedGen C1860707, MONDO:0013199, OMIM 613254.
Lymphangiomyomatosis (LAM). Also called: Lymphangioleiomyomatosis, somatic; Lymphangioleiomyomatosis. Identifiers: Orphanet 538, MedGen C0751674, MONDO:0011705, OMIM 606690.
Tuberous sclerosis syndrome (TSC). Also called: Tuberous Sclerosis Complex; Tuberous sclerosis. Identifiers: Orphanet 805, MedGen C0041341, MONDO:0001734.
Hereditary cancer-predisposing syndrome. Also called: Hereditary neoplastic syndrome; Neoplastic Syndromes, Hereditary; Hereditary Cancer Syndrome; Tumor predisposition. Identifiers: Orphanet 140162, MedGen C0027672, MeSH D009386, MONDO:0015356.

Allele frequency attached by ClinVar (database versions not stated): gnomAD exomes below 0.00001 and 0.00001.
gnomAD v4.1: 9 of 1,613,602 alleles (0.00056%); highest among the groups gnomAD compares: Non-Finnish European, 0.00076%; no homozygotes.

Submissions (7):

Color Diagnostics, LLC DBA Color Health
Classification: Uncertain significance for Tuberous sclerosis syndrome. Last evaluated: 2025-05-30. Review status: criteria provided, single submitter. Criteria: ACMG Guidelines, 2015. Collection method: clinical testing. Allele origin: germline.
Comment: This missense variant replaces glutamic acid with lysine at codon 748 of the TSC2 protein. Computational prediction is inconclusive regarding the impact of this variant on protein structure and function. To our knowledge, functional studies have not been reported for this variant. This variant has not been reported in individuals affected with TSC2-related disorders in the literature. This variant has been identified in 1/250970 chromosomes in the general population by the Genome Aggregation Database (gnomAD). The available evidence is insufficient to determine the role of this variant in disease conclusively. Therefore, this variant is classified as a Variant of Uncertain Significance.

Ambry Genetics
Classification: Uncertain significance for Hereditary cancer-predisposing syndrome. Last evaluated: 2025-04-23. Review status: criteria provided, single submitter. Criteria: Ambry Variant Classification Scheme 2023. Collection method: clinical testing. Allele origin: germline.
Comment: The p.E748K variant (also known as c.2242G>A), located in coding exon 20 of the TSC2 gene, results from a G to A substitution at nucleotide position 2242. The glutamic acid at codon 748 is replaced by lysine, an amino acid with similar properties. This amino acid position is well conserved in available vertebrate species. In addition, the in silico prediction for this alteration is inconclusive. Since supporting evidence is limited at this time, the clinical significance of this alteration remains unclear.

Labcorp Genetics (formerly Invitae), Labcorp
Classification: Likely benign for Tuberous sclerosis 2. Last evaluated: 2025-04-11. Review status: criteria provided, single submitter. Criteria: Invitae Variant Classification Sherloc (09022015). Collection method: clinical testing. Allele origin: germline.

Blueprint Genetics
Classification: Likely benign. Last evaluated: 2024-09-03. Review status: criteria provided, single submitter. Criteria: ACMG Guidelines, 2015. Collection method: clinical testing. Allele origin: germline.

All of Us Research Program, National Institutes of Health
Classification: Uncertain significance for Tuberous sclerosis syndrome. Last evaluated: 2024-01-11. Review status: criteria provided, single submitter. Criteria: ACMG Guidelines, 2015. Collection method: clinical testing. Allele origin: germline. Inheritance: Autosomal dominant inheritance. Observed: 1 variant allele, 1 heterozygote.
Comment: This study involves interpretation of variants in research participants for the purpose of population health screening. Participant phenotype was not available at the time of variant classification. Additional details can be found in publication PMID: 35346344, PMCID: PMC8962531

Fulgent Genetics
Classification: Uncertain significance for Lymphangiomyomatosis; Isolated focal cortical dysplasia type II; Tuberous sclerosis 2. Last evaluated: 2024-01-02. Review status: criteria provided, single submitter. Criteria: ACMG Guidelines, 2015. Collection method: clinical testing. Allele origin: germline.

Genome-Nilou Lab
Classification: Likely benign for Tuberous sclerosis 2. Last evaluated: 2021-11-07. Review status: criteria provided, single submitter. Criteria: ACMG Guidelines, 2015. Collection method: clinical testing. Allele origin: germline. Affected: no.

NM_000548.5(TSC2):c.2242G>A (p.Glu748Lys)

Gene: TSC2 (TSC complex subunit 2; plus strand). Cytogenetic location: 16p13.3.
Variant type: single nucleotide variant.
Coding change: c.2242G>A on transcript NM_000548.5 (MANE Select); coding-DNA position 2242, G replaced by A.
Protein change: p.Glu748Lys; replaces glutamic acid 748 with lysine.
Molecular consequence: missense variant.
Genome position (GRCh38, 1-based): chr16:2,072,870, G>A. VCF-style: chr16-2072870-G-A. GRCh37 (hg19) VCF-style: chr16-2122871-G-A.
Other names: c.2242G>A, p.Glu748Lys (NM_001077183.3, NM_001114382.3, NM_001363528.2 and 3 more transcripts); c.2131G>A, p.Glu711Lys (NM_001318827.2); c.2095G>A, p.Glu699Lys (NM_001318829.2); c.1642G>A, p.Glu548Lys (NM_001318831.2); c.2275G>A, p.Glu759Lys (NM_001318832.2); short protein forms E748K, E548K, E759K, E699K, E711K.
Identifiers: ClinVar variation 569849 (VCV000569849.22), dbSNP rs1442440961, ClinGen allele CA394276291.